The following is an entry in ClinVar:

NM_021098.3(CACNA1H):c.4585C>T (p.Pro1529Ser)

Gene: CACNA1H (calcium voltage-gated channel subunit alpha1 H; plus strand). Cytogenetic location: 16p13.3.
Variant type: single nucleotide variant.
Coding change: c.4585C>T on transcript NM_021098.3 (MANE Select); coding-DNA position 4585, C replaced by T.
Protein change: p.Pro1529Ser; replaces proline 1529 with serine.
Molecular consequence: missense variant.
Genome position (GRCh38, 1-based): chr16:1,211,964, C>T. VCF-style: chr16-1211964-C-T. GRCh37 (hg19) VCF-style: chr16-1261964-C-T.
Other names: c.4585C>T, p.Pro1529Ser (NM_001005407.2); short protein forms P1529S.
Identifiers: ClinVar variation 2929797 (VCV002929797.9), dbSNP rs1220708007, ClinGen allele CA394180599.

ClinVar aggregate classification (germline): Uncertain significance. Review status: criteria provided, multiple submitters, no conflicts (2 of 4 stars). 3 submissions from 3 submitters: Uncertain significance (3). Last evaluated 2025-12-01.

Conditions:
Idiopathic generalized epilepsy. Also called: Generalised epilepsy; EIG. Identifiers: MedGen C0270850, MONDO:0005579, OMIM 600669.
Hyperaldosteronism, familial, type IV (HALD4). Also called: FH IV; ALDOSTERONISM, PRIMARY, AND HYPERTENSION. Identifiers: Orphanet 642671, MedGen C4310756, MONDO:0014875, OMIM 617027.
Epilepsy, childhood absence, susceptibility to, 6. Identifiers: Orphanet 64280, MedGen C2749872, MONDO:0012763, OMIM 611942.

Allele frequency attached by ClinVar (database versions not stated): gnomAD 0.00001.
gnomAD v4.1: 2 of 1,613,402 alleles (0.00012%); highest among the groups gnomAD compares: Admixed American, 0.0017%; no homozygotes.

Submissions (3):

CeGaT Center for Human Genetics Tuebingen
Classification: Uncertain significance. Last evaluated: 2025-12-01. Review status: criteria provided, single submitter. Criteria: CeGaT Center For Human Genetics Tuebingen Variant Classification Criteria Version 2. Collection method: clinical testing. Allele origin: germline. Affected: yes. Observed: 1 variant allele.
Comment: CACNA1H: PM2

Labcorp Genetics (formerly Invitae), Labcorp
Classification: Uncertain significance for Idiopathic generalized epilepsy; Hyperaldosteronism, familial, type IV. Last evaluated: 2025-01-10. Review status: criteria provided, single submitter. Criteria: Invitae Variant Classification Sherloc (09022015). Collection method: clinical testing. Allele origin: germline.
Comment: This sequence change replaces proline, which is neutral and non-polar, with serine, which is neutral and polar, at codon 1529 of the CACNA1H protein (p.Pro1529Ser). This variant is not present in population databases (gnomAD no frequency). This variant has not been reported in the literature in individuals affected with CACNA1H-related conditions. ClinVar contains an entry for this variant (Variation ID: 2929797). Invitae Evidence Modeling of protein sequence and biophysical properties (such as structural, functional, and spatial information, amino acid conservation, physicochemical variation, residue mobility, and thermodynamic stability) indicates that this missense variant is expected to disrupt CACNA1H protein function with a positive predictive value of 80%. In summary, the available evidence is currently insufficient to determine the role of this variant in disease. Therefore, it has been classified as a Variant of Uncertain Significance.

Genetics and Genomic Medicine Centre, NeuroGen Healthcare, NeuroGen Healthcare
Classification: Uncertain significance for Epilepsy, childhood absence, susceptibility to, 6. Last evaluated: 2024-05-02. Review status: criteria provided, single submitter. Criteria: ACMG Guidelines, 2015. Collection method: clinical testing. Allele origin: unknown. Affected: yes.